The following is an entry in ClinVar:

ClinVar aggregate classification (germline): Uncertain significance (1 of 4 stars; one submission).

gnomAD v4.1: 1 of 1,610,558 alleles (0.000062%); highest among the groups gnomAD compares: Non-Finnish European, 0.000085%; no homozygotes.

Submission:

Labcorp Genetics (formerly Invitae), Labcorp
Classification: Uncertain significance. Last evaluated: 2024-08-31. Review status: criteria provided, single submitter. Criteria: Invitae Variant Classification Sherloc (09022015). Collection method: clinical testing. Allele origin: germline.
Comment: This sequence change replaces leucine, which is neutral and non-polar, with valine, which is neutral and non-polar, at codon 254 of the DCDC1 protein (p.Leu254Val). This variant is not present in population databases (gnomAD no frequency). This variant has not been reported in the literature in individuals affected with DCDC1-related conditions. An algorithm developed to predict the effect of missense changes on protein structure and function (PolyPhen-2) suggests that this variant is likely to be disruptive. In summary, the available evidence is currently insufficient to determine the role of this variant in disease. Therefore, it has been classified as a Variant of Uncertain Significance.

NM_001387274.1(DCDC1):c.760C>G (p.Leu254Val)

Gene: DCDC1 (doublecortin domain containing 1; minus strand). Cytogenetic location: 11p13.
Variant type: single nucleotide variant.
Coding change: c.760C>G on transcript NM_001387274.1 (MANE Select); coding-DNA position 760, C replaced by G.
Protein change: p.Leu254Val; replaces leucine 254 with valine.
Molecular consequence: missense variant.
Genome position (GRCh38, 1-based): chr11:31,290,847, G>C on the plus strand (C>G on the coding strand, the complement: DCDC1 is on the minus strand). VCF-style: chr11-31290847-G-C. GRCh37 (hg19) VCF-style: chr11-31312394-G-C.
Other names: c.760C>G, p.Leu254Val (NM_181807.4, NM_001367979.1); short protein forms L254V.
Identifiers: ClinVar variation 3692793 (VCV003692793.2).